The following is an entry in ClinVar:

NM_001927.4(DES):c.488_505dup (p.Arg163_Val168dup)

Gene: DES (desmin; plus strand). Cytogenetic location: 2q35.
Variant type: Duplication.
Coding change: c.488_505dup on transcript NM_001927.4 (MANE Select); coding-DNA positions 488 to 505, 18 bases duplicated (GGCGCCAGGTGGAGGTGC).
Protein change: p.Arg163_Val168dup.
Molecular consequence: inframe insertion.
Genome position (GRCh38, 1-based): chr2:219,418,950-219,418,967, GGCGCCAGGTGGAGGTGC duplicated; duplicating any 18 consecutive bases within chr2:219,418,947-219,418,967 gives the same sequence; the c. name uses the placement nearest the transcript's 3' end. VCF-style (leftmost placement, unchanged base first): chr2-219418946-C-CTGCGGCGCCAGGTGGAGG. GRCh37 (hg19) VCF-style: chr2-220283668-C-CTGCGGCGCCAGGTGGAGG.
Identifiers: ClinVar variation 838709 (VCV000838709.11), dbSNP rs1954378812, ClinGen allele CA916081390.

ClinVar aggregate classification (germline): Uncertain significance (1 of 4 stars; one submission).

Conditions:
Desmin-related myofibrillar myopathy (MFM1). Also called: Desminopathy; Desmin related myopathy (former name); Desmin storage myopathy (former name); MYOFIBRILLAR MYOPATHY WITH ARRHYTHMOGENIC RIGHT VENTRICULAR CARDIOMYOPATHY; DESMIN-RELATED MYOPATHY WITH ARRHYTHMOGENIC RIGHT VENTRICULAR CARDIOMYOPATHY; Myofibrillar myopathy 1. Identifiers: Orphanet 363543, Orphanet 98909, MedGen C1832370, MONDO:0011076, OMIM 601419.

Submission:

Labcorp Genetics (formerly Invitae), Labcorp
Classification: Uncertain significance for Desmin-related myofibrillar myopathy. Last evaluated: 2019-12-13. Review status: criteria provided, single submitter. Criteria: Invitae Variant Classification Sherloc (09022015). Collection method: clinical testing. Allele origin: germline.
Comment: This variant, c.488_505dup, results in the insertion of 6 amino acid(s) to the DES protein (p.Arg163_Val168dup), but otherwise preserves the integrity of the reading frame. In summary, the available evidence is currently insufficient to determine the role of this variant in disease. Therefore, it has been classified as a Variant of Uncertain Significance. Algorithms developed to predict the effect of sequence changes on RNA splicing suggest that this variant may create or strengthen a splice site, but this prediction has not been confirmed by published transcriptional studies. This variant has not been reported in the literature in individuals with DES-related conditions. The frequency data for this variant in the population databases is considered unreliable, as metrics indicate insufficient coverage at this position in the ExAC database.